The following is an entry in ClinVar:

ClinVar aggregate classification (germline): Uncertain significance. Review status: criteria provided, multiple submitters, no conflicts (2 of 4 stars). 3 submissions from 3 submitters: Uncertain significance (3). Last evaluated 2025-09-26.

Conditions:
Donnai-Barrow syndrome. Also called: DBS/FOAR SYNDROME; FACIOOCULOACOUSTICORENAL SYNDROME. Identifiers: Orphanet 2143, MedGen C1857277, MONDO:0009104, OMIM 222448.
Inborn genetic diseases. Identifiers: MedGen C0950123, MeSH D030342.

Allele frequency attached by ClinVar (database versions not stated): TOPMed 0.00004.
gnomAD v4.1: 47 of 1,613,972 alleles (0.0029%); highest among the groups gnomAD compares: East Asian, 0.013%; no homozygotes.

Submissions (3):

Ambry Genetics
Classification: Uncertain significance for Inborn genetic diseases. Last evaluated: 2025-09-26. Review status: criteria provided, single submitter. Criteria: Ambry Variant Classification Scheme 2023. Collection method: clinical testing. Allele origin: germline.

Fulgent Genetics
Classification: Uncertain significance for Donnai-Barrow syndrome. Last evaluated: 2023-12-26. Review status: criteria provided, single submitter. Criteria: ACMG Guidelines, 2015. Collection method: clinical testing. Allele origin: germline.

Labcorp Genetics (formerly Invitae), Labcorp
Classification: Uncertain significance. Last evaluated: 2022-09-01. Review status: criteria provided, single submitter. Criteria: Invitae Variant Classification Sherloc (09022015). Collection method: clinical testing. Allele origin: germline.
Comment: This sequence change replaces arginine, which is basic and polar, with cysteine, which is neutral and slightly polar, at codon 3304 of the LRP2 protein (p.Arg3304Cys). This variant is present in population databases (rs200915700, gnomAD 0.03%). This variant has not been reported in the literature in individuals affected with LRP2-related conditions. ClinVar contains an entry for this variant (Variation ID: 1020002). Advanced modeling of protein sequence and biophysical properties (such as structural, functional, and spatial information, amino acid conservation, physicochemical variation, residue mobility, and thermodynamic stability) performed at Invitae indicates that this missense variant is expected to disrupt LRP2 protein function. In summary, the available evidence is currently insufficient to determine the role of this variant in disease. Therefore, it has been classified as a Variant of Uncertain Significance.

NM_004525.3(LRP2):c.9910C>T (p.Arg3304Cys)

Gene: LRP2 (LDL receptor related protein 2; minus strand). Cytogenetic location: 2q31.1.
Variant type: single nucleotide variant.
Coding change: c.9910C>T on transcript NM_004525.3 (MANE Select); coding-DNA position 9910, C replaced by T.
Protein change: p.Arg3304Cys; replaces arginine 3304 with cysteine.
Molecular consequence: missense variant.
Genome position (GRCh38, 1-based): chr2:169,182,255, G>A on the plus strand (C>T on the coding strand, the complement: LRP2 is on the minus strand). VCF-style: chr2-169182255-G-A. GRCh37 (hg19) VCF-style: chr2-170038765-G-A.
Other names: c.9910C>T (NM_004525.2); short protein forms R3304C.
Identifiers: ClinVar variation 1020002 (VCV001020002.9), dbSNP rs200915700, ClinGen allele CA1953486.